The following is an entry in ClinVar:

ClinVar aggregate classification (germline): Uncertain significance (1 of 4 stars; one submission).

Conditions:
Zellweger spectrum disorders (ZS). Also called: Zellweger Spectrum Disorder (ZSD); Zellweger Spectrum Disorder; Zellweger Spectrum; Zellweger syndrome. Identifiers: Orphanet 912, MedGen C0043459, MONDO:0019609.

Allele frequency attached by ClinVar (database versions not stated): gnomAD exomes below 0.00001; ExAC 0.00001.
gnomAD v4.1: 2 of 1,603,582 alleles (0.00012%); highest among the groups gnomAD compares: Admixed American, 0.0033%; no homozygotes.

Submission:

Labcorp Genetics (formerly Invitae), Labcorp
Classification: Uncertain significance for Zellweger spectrum disorders. Last evaluated: 2022-04-18. Review status: criteria provided, single submitter. Criteria: Invitae Variant Classification Sherloc (09022015). Collection method: clinical testing. Allele origin: germline.
Comment: This sequence change replaces threonine, which is neutral and polar, with asparagine, which is neutral and polar, at codon 1142 of the PEX1 protein (p.Thr1142Asn). This variant is present in population databases (rs756060498, gnomAD 0.006%). This variant has not been reported in the literature in individuals affected with PEX1-related conditions. Algorithms developed to predict the effect of missense changes on protein structure and function (SIFT, PolyPhen-2, Align-GVGD) all suggest that this variant is likely to be tolerated. In summary, the available evidence is currently insufficient to determine the role of this variant in disease. Therefore, it has been classified as a Variant of Uncertain Significance.

NM_000466.3(PEX1):c.3425C>A (p.Thr1142Asn)

Genes: PEX1 (peroxisomal biogenesis factor 1; minus strand), GATAD1 (GATA zinc finger domain containing 1; plus strand). Cytogenetic location: 7q21.2.
Variant type: single nucleotide variant.
Coding change: c.3425C>A on transcript NM_000466.3 (MANE Select); coding-DNA position 3425, C replaced by A.
Protein change: p.Thr1142Asn; replaces threonine 1142 with asparagine.
Molecular consequence: missense variant.
Genome position (GRCh38, 1-based): chr7:92,491,285, G>T on the plus strand (C>A on the coding strand, the complement: PEX1 is on the minus strand). VCF-style: chr7-92491285-G-T. GRCh37 (hg19) VCF-style: chr7-92120599-G-T.
Other names: c.3254C>A, p.Thr1085Asn (NM_001282677.2); c.2801C>A, p.Thr934Asn (NM_001282678.2); short protein forms T1142N, T1085N, T934N.
Identifiers: ClinVar variation 1905397 (VCV001905397.2), dbSNP rs756060498, ClinGen allele CA4340836.